The following is an entry in ClinVar:

NM_004656.4(BAP1):c.819C>T (p.Thr273=)

Gene: BAP1 (BRCA1 associated deubiquitinase 1; minus strand). Cytogenetic location: 3p21.1.
Variant type: single nucleotide variant.
Coding change: c.819C>T on transcript NM_004656.4 (MANE Select); coding-DNA position 819, C replaced by T.
Protein change: p.Thr273=; no amino-acid change (threonine 273 retained).
Molecular consequence: synonymous variant.
Genome position (GRCh38, 1-based): chr3:52,405,877, G>A on the plus strand (C>T on the coding strand, the complement: BAP1 is on the minus strand). VCF-style: chr3-52405877-G-A. GRCh37 (hg19) VCF-style: chr3-52439893-G-A.
Other names: c.765C>T, p.Thr255= (NM_001410772.1).
Identifiers: ClinVar variation 3379095 (VCV003379095.2).

ClinVar aggregate classification (germline): Benign/Likely benign. Review status: criteria provided, multiple submitters, no conflicts (2 of 4 stars). 2 submissions from 2 submitters: Benign (1); Likely benign (1). Last evaluated 2025-01-03.

Conditions:
Hereditary cancer-predisposing syndrome. Also called: Neoplastic Syndromes, Hereditary; Tumor predisposition; Hereditary Cancer Syndrome; Hereditary neoplastic syndrome. Identifiers: Orphanet 140162, MedGen C0027672, MeSH D009386, MONDO:0015356.
BAP1-related tumor predisposition syndrome (TPDS1). Also called: Tumor susceptibility linked to germline BAP1 mutations; COMMON Syndrome; BAP1 tumor predisposition syndrome; TUMOR PREDISPOSITION SYNDROME 1. Identifiers: Orphanet 289539, MedGen C3280492, MONDO:0013692, OMIM 614327.

Submissions (2):

Ambry Genetics
Classification: Likely benign for Hereditary cancer-predisposing syndrome. Last evaluated: 2025-01-03. Review status: criteria provided, single submitter. Criteria: Ambry Variant Classification Scheme 2023. Collection method: clinical testing. Allele origin: germline.

Myriad Genetics, Inc.
Classification: Benign for BAP1-related tumor predisposition syndrome. Last evaluated: 2024-07-15. Review status: criteria provided, single submitter. Criteria: Myriad Autosomal Dominant, Autosomal Recessive and X-Linked Classification Criteria (2023). Collection method: clinical testing. Allele origin: unknown.
Comment: This variant is considered benign. This variant is a silent/synonymous amino acid change and it is not expected to impact splicing.